The following is an entry in ClinVar:

NM_017721.5(CC2D1A):c.1940+2_1940+5del

Gene: CC2D1A (coiled-coil and C2 domain containing 1A; plus strand). Cytogenetic location: 19p13.12.
Variant type: Deletion.
Coding change: c.1940+2_1940+5del on transcript NM_017721.5 (MANE Select); the canonical splice donor site of the intron after coding-DNA position 1940 through 5 bases into the intron after coding-DNA position 1940, 4 bases deleted (TAAG; older notation c.1940+2_1940+5delTAAG).
Molecular consequence: splice donor variant.
Genome position (GRCh38, 1-based): chr19:13,923,813-13,923,816, TAAG deleted; deleting any 4 consecutive bases within chr19:13,923,810-13,923,816 gives the same sequence; the c. name uses the placement nearest the transcript's 3' end. VCF-style (leftmost placement, unchanged base first): chr19-13923809-CAAGT-C. GRCh37 (hg19) VCF-style: chr19-14034622-CAAGT-C.
Other names: c.1940+2_1940+5del (NM_001411138.1).
Identifiers: ClinVar variation 2825417 (VCV002825417.3), dbSNP rs1243033176, ClinGen allele CA631883361.

ClinVar aggregate classification (germline): Likely pathogenic (1 of 4 stars; one submission).

Submission:

Labcorp Genetics (formerly Invitae), Labcorp
Classification: Likely pathogenic. Last evaluated: 2022-12-31. Review status: criteria provided, single submitter. Criteria: Invitae Variant Classification Sherloc (09022015). Collection method: clinical testing. Allele origin: germline.
Comment: In summary, the currently available evidence indicates that the variant is pathogenic, but additional data are needed to prove that conclusively. Therefore, this variant has been classified as Likely Pathogenic. This variant has not been reported in the literature in individuals affected with CC2D1A-related conditions. This variant is present in population databases (no rsID available, gnomAD 0.002%). This sequence change affects a splice site in intron 17 of the CC2D1A gene. It is expected to disrupt RNA splicing. Variants that disrupt the donor or acceptor splice site typically lead to a loss of protein function (PMID: 16199547), and loss-of-function variants in CC2D1A are known to be pathogenic (PMID: 16033914).

Literature cited by the submitters: PubMed 16199547; PubMed 16033914.